The following is an entry in ClinVar:

ClinVar aggregate classification (germline): Likely benign. Review status: criteria provided, multiple submitters, no conflicts (2 of 4 stars). 8 submissions from 8 submitters: Likely benign (6). 2 of the submissions do not count toward it. Last evaluated 2026-01-13.

Conditions:
POLD1-related disorder. Also called: POLD1-related disorders; POLD1-related condition.
Mandibular hypoplasia-deafness-progeroid syndrome. Also called: Mandibular hypoplasia, deafness, progeroid features, and lipodystrophy syndrome. Identifiers: Orphanet 363649, MedGen C3715192, MONDO:0014157, OMIM 615381.
POLD1-related polyposis and colorectal cancer syndrome (CRCS10). Also called: Colorectal cancer, susceptibility to, 10; Colorectal cancer 10; COLORECTAL CANCER, SUSCEPTIBILITY TO, ON CHROMOSOME 19q. Identifiers: Orphanet 220460, MedGen C2675481, MONDO:0012953, OMIM 612591.

Allele frequency attached by ClinVar (database versions not stated): gnomAD exomes 0.00004; ExAC 0.00006; gnomAD 0.00012; TOPMed 0.00012; 1000 Genomes Project 0.00020; 1000 Genomes Project 30x 0.00031.

Submissions (8):

Labcorp Genetics (formerly Invitae), Labcorp
Classification: Likely benign for POLD1-related polyposis and colorectal cancer syndrome. Last evaluated: 2026-01-13. Review status: criteria provided, single submitter. Criteria: Invitae Variant Classification Sherloc (09022015). Collection method: clinical testing. Allele origin: germline.

Center for Genomic Medicine, Rigshospitalet, Copenhagen University Hospital
Classification: Likely benign. Last evaluated: 2025-03-04. Review status: criteria provided, single submitter. Criteria: ACMG Guidelines, 2015. Collection method: clinical testing. Allele origin: germline.

Blueprint Genetics
Classification: Likely benign. Last evaluated: 2024-03-06. Review status: criteria provided, single submitter. Criteria: ACMG Guidelines, 2015. Collection method: clinical testing. Allele origin: germline.

Department of Pathology and Laboratory Medicine, Sinai Health System
Classification: Likely benign for mandibular hypoplasia-deafness-progeroid syndrome. Last evaluated: 2023-09-21. Review status: criteria provided, single submitter. Criteria: ACMG Guidelines, 2015. Collection method: clinical testing. Allele origin: germline. Affected: no.

Myriad Genetics, Inc.
Classification: Likely benign for POLD1-related polyposis and colorectal cancer syndrome. Last evaluated: 2023-04-19. Review status: criteria provided, single submitter. Criteria: Myriad Autosomal Dominant, Autosomal Recessive and X-Linked Classification Criteria (2023). Collection method: clinical testing. Allele origin: unknown.
Comment: This variant is considered likely benign. This variant is intronic and is not expected to impact mRNA splicing.

GeneDx
Classification: Likely benign. Last evaluated: 2016-11-03. Review status: criteria provided, single submitter. Criteria: GeneDx Variant Classification (06012015). Collection method: clinical testing. Allele origin: germline. Affected: yes.
Comment: This variant is considered likely benign or benign based on one or more of the following criteria: it is a conservative change, it occurs at a poorly conserved position in the protein, it is predicted to be benign by multiple in silico algorithms, and/or has population frequency not consistent with disease.

PreventionGenetics, part of Exact Sciences
Classification: Likely benign for POLD1-related condition. Last evaluated: 2021-12-22. Review status: no assertion criteria provided. Collection method: clinical testing. Allele origin: germline. Not counted in ClinVar's aggregate classification.
Comment: This variant is classified as likely benign based on ACMG/AMP sequence variant interpretation guidelines (Richards et al. 2015 PMID: 25741868, with internal and published modifications).

Counsyl
Classification: Likely benign for POLD1-related polyposis and colorectal cancer syndrome. Last evaluated: 2018-04-27. Review status: no assertion criteria provided. Collection method: clinical testing. Allele origin: unknown. Not counted in ClinVar's aggregate classification.

NM_002691.4(POLD1):c.1495-14G>A

Gene: POLD1 (DNA polymerase delta 1, catalytic subunit; plus strand). Cytogenetic location: 19q13.33.
Variant type: single nucleotide variant.
Coding change: c.1495-14G>A on transcript NM_002691.4 (MANE Select); 14 bases into the intron before coding-DNA position 1495, G replaced by A.
Molecular consequence: intron variant.
Genome position (GRCh38, 1-based): chr19:50,406,969, G>A. VCF-style: chr19-50406969-G-A. GRCh37 (hg19) VCF-style: chr19-50910226-G-A.
Other names: c.1495-14G>A (LRG_785t1, LRG_785t2, NM_001256849.1 and 1 more transcripts).
Identifiers: ClinVar variation 381774 (VCV000381774.16), dbSNP rs542376819, ClinGen allele CA9596159.